The following is an entry in ClinVar:

ClinVar aggregate classification (germline): Conflicting classifications of pathogenicity. Review status: criteria provided, conflicting classifications (1 of 4 stars). 4 submissions from 4 submitters: Uncertain significance (3); Likely benign (1). Last evaluated 2024-05-09.

Conditions:
Inborn genetic diseases. Identifiers: MedGen C0950123, MeSH D030342.
Pyruvate carboxylase deficiency. Also called: ATAXIA WITH LACTIC ACIDOSIS II; Pyruvate Carboxylase Deficiency Disease; LEIGH NECROTIZING ENCEPHALOPATHY DUE TO PYRUVATE CARBOXYLASE DEFICIENCY; LEIGH SYNDROME DUE TO PYRUVATE CARBOXYLASE DEFICIENCY; PC DEFICIENCY. Identifiers: Orphanet 3008, MedGen C0034341, MONDO:0009949, OMIM 266150.

Allele frequency attached by ClinVar (database versions not stated): gnomAD 0.00007 and 0.00009; ESP Exome Variant Server 0.00008; gnomAD exomes 0.00009 and 0.00012; ExAC 0.00011; TOPMed 0.00011.
gnomAD v4.1: 188 of 1,575,030 alleles (0.012%); highest among the groups gnomAD compares: Non-Finnish European, 0.015%; no homozygotes.

Submissions (4):

Ambry Genetics
Classification: Uncertain significance for Inborn genetic diseases. Last evaluated: 2024-05-09. Review status: criteria provided, single submitter. Criteria: Ambry Variant Classification Scheme 2023. Collection method: clinical testing. Allele origin: germline.

Blueprint Genetics
Classification: Uncertain significance. Last evaluated: 2023-11-23. Review status: criteria provided, single submitter. Criteria: ACMG Guidelines, 2015. Collection method: clinical testing. Allele origin: germline.

Labcorp Genetics (formerly Invitae), Labcorp
Classification: Uncertain significance for Pyruvate carboxylase deficiency. Last evaluated: 2022-10-11. Review status: criteria provided, single submitter. Criteria: Invitae Variant Classification Sherloc (09022015). Collection method: clinical testing. Allele origin: germline.
Comment: This sequence change replaces arginine, which is basic and polar, with histidine, which is basic and polar, at codon 17 of the PC protein (p.Arg17His). The frequency data for this variant in the population databases is considered unreliable, as metrics indicate poor data quality at this position in the gnomAD database. This variant has not been reported in the literature in individuals affected with PC-related conditions. ClinVar contains an entry for this variant (Variation ID: 203905). Advanced modeling of protein sequence and biophysical properties (such as structural, functional, and spatial information, amino acid conservation, physicochemical variation, residue mobility, and thermodynamic stability) performed at Invitae indicates that this missense variant is not expected to disrupt PC protein function. In summary, the available evidence is currently insufficient to determine the role of this variant in disease. Therefore, it has been classified as a Variant of Uncertain Significance.

GeneDx
Classification: Likely benign. Last evaluated: 2013-08-16. Review status: criteria provided, single submitter. Criteria: GeneDx Variant Classification (06012015). Collection method: clinical testing. Allele origin: germline. Affected: yes.
Comment: This variant is considered likely benign or benign based on one or more of the following criteria: it is a conservative change, it occurs at a poorly conserved position in the protein, it is predicted to be benign by multiple in silico algorithms, and/or has population frequency not consistent with disease.

NM_001040716.2(PC):c.50G>A (p.Arg17His)

Gene: PC (pyruvate carboxylase; minus strand). Cytogenetic location: 11q13.2.
Variant type: single nucleotide variant.
Coding change: c.50G>A on transcript NM_001040716.2 (MANE Select); coding-DNA position 50, G replaced by A.
Protein change: p.Arg17His; replaces arginine 17 with histidine.
Molecular consequence: missense variant.
Genome position (GRCh38, 1-based): chr11:66,872,110, C>T on the plus strand (G>A on the coding strand, the complement: PC is on the minus strand). VCF-style: chr11-66872110-C-T. GRCh37 (hg19) VCF-style: chr11-66639581-C-T.
Other names: p.R17H:CGC>CAC; c.50G>A, p.Arg17His (NM_000920.4, NM_022172.3); short protein forms R17H.
Identifiers: ClinVar variation 203905 (VCV000203905.5), dbSNP rs375282341, ClinGen allele CA312875.